The following is an entry in ClinVar:

NM_004369.4(COL6A3):c.6157-54G>C

Gene: COL6A3 (collagen type VI alpha 3 chain; minus strand). Cytogenetic location: 2q37.3.
Variant type: single nucleotide variant.
Coding change: c.6157-54G>C on transcript NM_004369.4 (MANE Select); 54 bases into the intron before coding-DNA position 6157, G replaced by C.
Molecular consequence: intron variant.
Genome position (GRCh38, 1-based): chr2:237,361,228, C>G on the plus strand (G>C on the coding strand, the complement: COL6A3 is on the minus strand). VCF-style: chr2-237361228-C-G. GRCh37 (hg19) VCF-style: chr2-238269871-C-G.
Other names: c.4336-54G>C (NM_057166.5); c.5539-54G>C (NM_057167.4).
Identifiers: ClinVar variation 680754 (VCV000680754.4), dbSNP rs2645769, ClinGen allele CA11175402.

ClinVar aggregate classification (germline): Benign. Review status: criteria provided, multiple submitters, no conflicts (2 of 4 stars). 3 submissions from 3 submitters: Benign (3). Last evaluated 2024-07-31.

Allele frequency attached by ClinVar (database versions not stated): ESP Exome Variant Server 0.22032; 1000 Genomes Project 0.22204; gnomAD 0.22299 and 0.22678; 1000 Genomes Project 30x 0.22767; TOPMed 0.22942.
gnomAD v4.1: 268,767 of 1,532,926 alleles (18%); highest among the groups gnomAD compares: African/African-American, 38%; 25,939 homozygotes.

Submissions (3):

Unidad de Genómica Garrahan, Hospital de Pediatría Garrahan
Classification: Benign. Last evaluated: 2024-07-31. Review status: criteria provided, single submitter. Criteria: ACMG Guidelines, 2015. Collection method: clinical testing. Allele origin: germline. Affected: no. Observed: 21 variant alleles.
Comment: This variant is classified as Benign based on local population frequency. This variant was detected in 23% of patients studied in a panel designed for Epileptic and Developmental Encephalopathy, Progressive Myoclonus Epilepsy and Abnormal Movements and Neurodegeneration with brain iron accumulation. Number of patients: 21. Only high quality variants are reported.

GeneDx
Classification: Benign. Last evaluated: 2018-06-16. Review status: criteria provided, single submitter. Criteria: GeneDx Variant Classification (06012015). Collection method: clinical testing. Allele origin: germline. Affected: yes.
Comment: This variant is considered likely benign or benign based on one or more of the following criteria: it is a conservative change, it occurs at a poorly conserved position in the protein, it is predicted to be benign by multiple in silico algorithms, and/or has population frequency not consistent with disease.

Breakthrough Genomics
Classification: Benign. Review status: criteria provided, single submitter. Criteria: ACMG Guidelines, 2015. Collection method: not provided. Allele origin: germline. Inheritance: Autosomal recessive inheritance. Affected: yes.